The following is an entry in ClinVar:

ClinVar aggregate classification (germline): Uncertain significance (1 of 4 stars; one submission).

Conditions:
Cardiovascular phenotype. Identifiers: MedGen CN230736.

Submission:

Ambry Genetics
Classification: Uncertain significance for Cardiovascular phenotype. Last evaluated: 2025-01-19. Review status: criteria provided, single submitter. Criteria: Ambry Variant Classification Scheme 2023. Collection method: clinical testing. Allele origin: germline.
Comment: The p.V76L variant (also known as c.226G>C), located in coding exon 2 of the ABCG5 gene, results from a G to C substitution at nucleotide position 226. The valine at codon 76 is replaced by leucine, an amino acid with highly similar properties. This amino acid position is conserved. In addition, this alteration is predicted to be tolerated by in silico analysis. Since supporting evidence is limited at this time, the clinical significance of this alteration remains unclear.

NM_022436.3(ABCG5):c.226G>C (p.Val76Leu)

Gene: ABCG5 (ATP binding cassette subfamily G member 5; minus strand). Cytogenetic location: 2p21.
Variant type: single nucleotide variant.
Coding change: c.226G>C on transcript NM_022436.3 (MANE Select); coding-DNA position 226, G replaced by C.
Protein change: p.Val76Leu; replaces valine 76 with leucine.
Molecular consequence: missense variant.
Genome position (GRCh38, 1-based): chr2:43,837,873, C>G on the plus strand (G>C on the coding strand, the complement: ABCG5 is on the minus strand). VCF-style: chr2-43837873-C-G. GRCh37 (hg19) VCF-style: chr2-44065012-C-G.
Other names: short protein forms V76L.
Identifiers: ClinVar variation 1788766 (VCV001788766.3), dbSNP rs368811625, ClinGen allele CA346661468.